The following is an entry in ClinVar:

ClinVar aggregate classification (germline): Pathogenic (1 of 4 stars; one submission).

Conditions:
DYRK1A-related intellectual disability syndrome (MRD7). Also called: DYRK1A Syndrome; Intellectual developmental disorder, autosomal dominant 7. Identifiers: Orphanet 464306, MedGen C5568143, MONDO:0013578, OMIM 614104.

Submission:

Victorian Clinical Genetics Services, Murdoch Childrens Research Institute
Classification: Pathogenic for DYRK1A-related intellectual disability syndrome. Last evaluated: 2025-07-17. Review status: criteria provided, single submitter. Criteria: ACMG Guidelines, 2015. Collection method: clinical testing. Allele origin: germline. Affected: yes.
Comment: This variant is classified as Pathogenic. Evidence in support of pathogenic classification: Variant is predicted to cause nonsense-mediated decay (NMD) and loss of protein (premature termination codon is located at least 54 nucleotides upstream of the final exon-exon junction); Variant is absent from gnomAD (v2, v3 and v4); Other NMD-predicted variant(s) comparable to the one identified in this case have very strong previous evidence for pathogenicity (ClinVar); Additional information: This variant is heterozygous; This gene is associated with autosomal dominant disease; Loss of function is a known mechanism of disease in this gene and is associated with intellectual developmental disorder, autosomal dominant 7 (MIM#614104).

NM_001347721.2(DYRK1A):c.320dup (p.Arg108fs)

Gene: DYRK1A (dual specificity tyrosine phosphorylation regulated kinase 1A; plus strand). Cytogenetic location: 21q22.13.
Variant type: Duplication.
Coding change: c.320dup on transcript NM_001347721.2 (MANE Select); coding-DNA position 320, one base duplicated (A; older notation c.320dupA).
Protein change: p.Arg108fs; shifts the reading frame from arginine 108.
Molecular consequence: frameshift variant.
Genome position (GRCh38, 1-based): chr21:37,480,657, A duplicated; the last of 2 consecutive A bases (chr21:37,480,656-37,480,657); duplicating either gives the same sequence. VCF-style (leftmost placement, unchanged base first): chr21-37480655-G-GA. GRCh37 (hg19) VCF-style: chr21-38852957-G-GA.
Other names: c.320dup, p.Arg108fs (NM_001347722.2, NM_130436.2); c.233dup, p.Arg79fs (NM_001347723.2); c.347dup, p.Arg117fs (NM_001396.5, NM_101395.2, NM_130438.2); short protein forms R108fs, R117fs, R79fs.
Identifiers: ClinVar variation 4531768 (VCV004531768.1).